The following is an entry in ClinVar:

NM_182493.3(MYLK3):c.370G>A (p.Ala124Thr)

Gene: MYLK3 (myosin light chain kinase 3; minus strand). Cytogenetic location: 16q11.2.
Variant type: single nucleotide variant.
Coding change: c.370G>A on transcript NM_182493.3 (MANE Select); coding-DNA position 370, G replaced by A.
Protein change: p.Ala124Thr; replaces alanine 124 with threonine.
Molecular consequence: missense variant. On other transcripts: intron variant (1).
Genome position (GRCh38, 1-based): chr16:46,747,824, C>T on the plus strand (G>A on the coding strand, the complement: MYLK3 is on the minus strand). VCF-style: chr16-46747824-C-T. GRCh37 (hg19) VCF-style: chr16-46781736-C-T.
Other names: c.-113-7677G>A (NM_001308301.1); short protein forms A124T.
Identifiers: ClinVar variation 1510396 (VCV001510396.6), dbSNP rs147831842, ClinGen allele CA280241299.

ClinVar aggregate classification (germline): Uncertain significance (1 of 4 stars; one submission).

Allele frequency attached by ClinVar (database versions not stated): TOPMed below 0.00001; gnomAD 0.00001; ESP Exome Variant Server 0.00008.
gnomAD v4.1: 1 of 1,614,090 alleles (0.000062%); highest among the groups gnomAD compares: Non-Finnish European, 0.000085%; no homozygotes.

Submission:

Labcorp Genetics (formerly Invitae), Labcorp
Classification: Uncertain significance. Last evaluated: 2025-10-13. Review status: criteria provided, single submitter. Criteria: Invitae Variant Classification Sherloc (09022015). Collection method: clinical testing. Allele origin: germline.
Comment: This sequence change replaces alanine, which is neutral and non-polar, with threonine, which is neutral and polar, at codon 124 of the MYLK3 protein (p.Ala124Thr). This variant is not present in population databases (gnomAD no frequency). This variant has not been reported in the literature in individuals affected with MYLK3-related conditions. ClinVar contains an entry for this variant (Variation ID: 1510396). An algorithm developed to predict the effect of missense changes on protein structure and function (PolyPhen-2) suggests that this variant is likely to be disruptive. In summary, the available evidence is currently insufficient to determine the role of this variant in disease. Therefore, it has been classified as a Variant of Uncertain Significance.